The following is an entry in ClinVar:

ClinVar aggregate classification (germline): Benign/Likely benign. Review status: criteria provided, multiple submitters, no conflicts (2 of 4 stars). 8 submissions from 8 submitters: Benign (6); Likely benign (1). 1 of the submissions does not count toward it. Last evaluated 2026-02-04.

Conditions:
Cerebellar ataxia, impaired intellectual development, and dysequilibrium syndrome 1. Also called: CEREBELLAR ATAXIA AND MENTAL RETARDATION WITH OR WITHOUT QUADRUPEDAL LOCOMOTION 1; CEREBELLAR ATAXIA, CONGENITAL, AND MENTAL RETARDATION, AUTOSOMAL RECESSIVE; VLDLR Cerebellar Hypoplasia; Cerebellar hypoplasia and mental retardation with or without quadrupedal locomotion 1; Cerebellar ataxia, intellectual disability, and dysequilibrium syndrome 1; Cerebellar ataxia, mental retardation, and dysequilibrium syndrome 1. Identifiers: Orphanet 1766, MedGen C4551552, MONDO:0024542, OMIM 224050.

Allele frequency attached by ClinVar (database versions not stated): 1000 Genomes Project 0.08167; 1000 Genomes Project 30x 0.08401; TOPMed 0.13790; gnomAD 0.14812 and 0.15129; ESP Exome Variant Server 0.15378.

Submissions (27):

Labcorp Genetics (formerly Invitae), Labcorp
Classification: Benign. Last evaluated: 2026-02-04. Review status: criteria provided, single submitter. Criteria: Invitae Variant Classification Sherloc (09022015). Collection method: clinical testing. Allele origin: germline.

Blueprint Genetics
Classification: Benign. Last evaluated: 2024-11-27. Review status: criteria provided, single submitter. Criteria: ACMG Guidelines, 2015. Collection method: clinical testing. Allele origin: germline.

Mayo Clinic Laboratories, Mayo Clinic
Classification: Benign. Last evaluated: 2022-03-24. Review status: criteria provided, single submitter. Criteria: ACMG Guidelines, 2015. Collection method: clinical testing. Allele origin: germline. Observed: 294 variant alleles.

Genome-Nilou Lab
Classification: Benign for Cerebellar ataxia, impaired intellectual development, and dysequilibrium syndrome 1. Last evaluated: 2021-12-05. Review status: criteria provided, single submitter. Criteria: ACMG Guidelines, 2015. Collection method: clinical testing. Allele origin: germline. Affected: no.

Illumina Laboratory Services, Illumina
Classification: Benign for Cerebellar ataxia, impaired intellectual development, and dysequilibrium syndrome 1. Last evaluated: 2018-01-12. Review status: criteria provided, single submitter. Criteria: ICSL Variant Classification Criteria 13 December 2019. Collection method: clinical testing. Allele origin: germline.
Comment: This variant was observed in the ICSL laboratory as part of a predisposition screen in an ostensibly healthy population. It had not been previously curated by ICSL or reported in the Human Gene Mutation Database (HGMD: prior to June 1st, 2018), and was therefore a candidate for classification through an automated scoring system. Utilizing variant allele frequency, disease prevalence and penetrance estimates, and inheritance mode, an automated score was calculated to assess if this variant is too frequent to cause the disease. Based on the score and internal cut-off values, a variant classified as benign is not then subjected to further curation. The score for this variant resulted in a classification of benign for this disease.

GeneDx
Classification: Benign. Last evaluated: 2015-03-03. Review status: criteria provided, single submitter. Criteria: GeneDx Variant Classification Process June 2021. Collection method: clinical testing. Allele origin: germline. Affected: yes.

Breakthrough Genomics
Classification: Likely benign. Review status: criteria provided, single submitter. Criteria: ACMG Guidelines, 2015. Collection method: not provided. Allele origin: germline. Inheritance: Autosomal recessive inheritance. Affected: yes.

Dr. Peter K. Rogan Lab, Western University
No classification provided (evidence only). Condition: Familial cancer of breast. Review status: no classification provided. Collection method: in vitro. Allele origin: not applicable. Functional consequence: retained intron. Not counted in ClinVar's aggregate classification.

Dr. Peter K. Rogan Lab, Western University
No classification provided (evidence only). Condition: Cholangiocarcinoma. Review status: no classification provided. Collection method: in vitro. Allele origin: not applicable. Functional consequence: retained intron. Not counted in ClinVar's aggregate classification.

Dr. Peter K. Rogan Lab, Western University
No classification provided (evidence only). Condition: Uterine carcinosarcoma. Review status: no classification provided. Collection method: in vitro. Allele origin: not applicable. Functional consequence: retained intron. Not counted in ClinVar's aggregate classification.

Dr. Peter K. Rogan Lab, Western University
No classification provided (evidence only). Condition: Uterine carcinosarcoma. Review status: no classification provided. Collection method: in vitro. Allele origin: not applicable. Functional consequence: retained intron. Not counted in ClinVar's aggregate classification.

Dr. Peter K. Rogan Lab, Western University
No classification provided (evidence only). Condition: Uterine carcinosarcoma. Review status: no classification provided. Collection method: in vitro. Allele origin: not applicable. Functional consequence: retained intron. Not counted in ClinVar's aggregate classification.

Dr. Peter K. Rogan Lab, Western University
No classification provided (evidence only). Condition: Uterine carcinosarcoma. Review status: no classification provided. Collection method: in vitro. Allele origin: not applicable. Functional consequence: retained intron. Not counted in ClinVar's aggregate classification.

Dr. Peter K. Rogan Lab, Western University
No classification provided (evidence only). Condition: Uterine carcinosarcoma. Review status: no classification provided. Collection method: in vitro. Allele origin: not applicable. Functional consequence: retained intron. Not counted in ClinVar's aggregate classification.

Dr. Peter K. Rogan Lab, Western University
No classification provided (evidence only). Condition: Uterine carcinosarcoma. Review status: no classification provided. Collection method: in vitro. Allele origin: not applicable. Functional consequence: retained intron. Not counted in ClinVar's aggregate classification.

Dr. Peter K. Rogan Lab, Western University
No classification provided (evidence only). Condition: Uterine carcinosarcoma. Review status: no classification provided. Collection method: in vitro. Allele origin: not applicable. Functional consequence: retained intron. Not counted in ClinVar's aggregate classification.

Dr. Peter K. Rogan Lab, Western University
No classification provided (evidence only). Condition: Uterine carcinosarcoma. Review status: no classification provided. Collection method: in vitro. Allele origin: not applicable. Functional consequence: retained intron. Not counted in ClinVar's aggregate classification.

Dr. Peter K. Rogan Lab, Western University
No classification provided (evidence only). Condition: Nonpapillary renal cell carcinoma. Review status: no classification provided. Collection method: in vitro. Allele origin: not applicable. Functional consequence: retained intron. Not counted in ClinVar's aggregate classification.

Dr. Peter K. Rogan Lab, Western University
No classification provided (evidence only). Condition: Nonpapillary renal cell carcinoma. Review status: no classification provided. Collection method: in vitro. Allele origin: not applicable. Functional consequence: retained intron. Not counted in ClinVar's aggregate classification.

Dr. Peter K. Rogan Lab, Western University
No classification provided (evidence only). Condition: Nonpapillary renal cell carcinoma. Review status: no classification provided. Collection method: in vitro. Allele origin: not applicable. Functional consequence: retained intron. Not counted in ClinVar's aggregate classification.

Dr. Peter K. Rogan Lab, Western University
No classification provided (evidence only). Condition: Nonpapillary renal cell carcinoma. Review status: no classification provided. Collection method: in vitro. Allele origin: not applicable. Functional consequence: skipped exon, retained intron. Not counted in ClinVar's aggregate classification.

Dr. Peter K. Rogan Lab, Western University
No classification provided (evidence only). Condition: Nonpapillary renal cell carcinoma. Review status: no classification provided. Collection method: in vitro. Allele origin: not applicable. Functional consequence: retained intron. Not counted in ClinVar's aggregate classification.

Dr. Peter K. Rogan Lab, Western University
No classification provided (evidence only). Condition: Nonpapillary renal cell carcinoma. Review status: no classification provided. Collection method: in vitro. Allele origin: not applicable. Functional consequence: retained intron. Not counted in ClinVar's aggregate classification.

Dr. Peter K. Rogan Lab, Western University
No classification provided (evidence only). Condition: Nonpapillary renal cell carcinoma. Review status: no classification provided. Collection method: in vitro. Allele origin: not applicable. Functional consequence: retained intron. Not counted in ClinVar's aggregate classification.

Dr. Peter K. Rogan Lab, Western University
No classification provided (evidence only). Condition: Nonpapillary renal cell carcinoma. Review status: no classification provided. Collection method: in vitro. Allele origin: not applicable. Functional consequence: skipped exon. Not counted in ClinVar's aggregate classification.

Dr. Peter K. Rogan Lab, Western University
No classification provided (evidence only). Condition: Nonpapillary renal cell carcinoma. Review status: no classification provided. Collection method: in vitro. Allele origin: not applicable. Functional consequence: retained intron. Not counted in ClinVar's aggregate classification.

Genetic Services Laboratory, University of Chicago
Classification: Likely benign for AllHighlyPenetrant. Review status: no assertion criteria provided. Collection method: clinical testing. Allele origin: germline. Inheritance: Autosomal recessive inheritance. Not counted in ClinVar's aggregate classification.
Comment: Likely benign based on allele frequency in 1000 Genomes Project or ESP global frequency and its presence in a patient with a rare or unrelated disease phenotype. NOT Sanger confirmed.

NM_003383.5(VLDLR):c.1187-3C>T

Gene: VLDLR (very low density lipoprotein receptor; plus strand). Cytogenetic location: 9p24.2.
Variant type: single nucleotide variant.
Coding change: c.1187-3C>T on transcript NM_003383.5 (MANE Select); 3 bases into the intron before coding-DNA position 1187, C replaced by T.
Molecular consequence: intron variant.
Genome position (GRCh38, 1-based): chr9:2,644,954, C>T. VCF-style: chr9-2644954-C-T. GRCh37 (hg19) VCF-style: chr9-2644954-C-T.
Other names: p.?; c.1187-3C>T (NM_001018056.3); c.1064-3C>T (NM_001322225.2, NM_001322226.2).
Identifiers: ClinVar variation 130701 (VCV000130701.24), dbSNP rs11789583, ClinGen allele CA155909.